The following is an entry in ClinVar:

NM_000217.3(KCNA1):c.1192C>T (p.Leu398=)

Gene: KCNA1 (potassium voltage-gated channel subfamily A member 1; plus strand). Cytogenetic location: 12p13.32.
Variant type: single nucleotide variant.
Coding change: c.1192C>T on transcript NM_000217.3 (MANE Select); coding-DNA position 1192, C replaced by T.
Protein change: p.Leu398=; no amino-acid change (leucine 398 retained).
Molecular consequence: synonymous variant.
Genome position (GRCh38, 1-based): chr12:4,912,570, C>T. VCF-style: chr12-4912570-C-T. GRCh37 (hg19) VCF-style: chr12-5021736-C-T.
Identifiers: ClinVar variation 1553306 (VCV001553306.9), dbSNP rs761868527, ClinGen allele CA6399474.

ClinVar aggregate classification (germline): Likely benign. Review status: criteria provided, multiple submitters, no conflicts (2 of 4 stars). 2 submissions from 2 submitters: Likely benign (2). Last evaluated 2026-08-01.

Conditions:
Episodic ataxia type 1 (EA1). Also called: ATAXIA, EPISODIC, WITH MYOKYMIA; MYOKYMIA WITH PERIODIC ATAXIA; PAROXYSMAL ATAXIA WITH NEUROMYOTONIA, HEREDITARY; Episodic ataxia/myokymia syndrome. Identifiers: Orphanet 37612, Orphanet 972, MedGen C1719788, MONDO:0008047, OMIM 160120.

Allele frequency attached by ClinVar (database versions not stated): TOPMed below 0.00001; ExAC 0.00001; gnomAD exomes 0.00001 and 0.00002.
gnomAD v4.1: 5 of 1,613,814 alleles (0.00031%); highest among the groups gnomAD compares: Admixed American, 0.0083%; 1 homozygote.

Submissions (2):

CeGaT Center for Human Genetics Tuebingen
Classification: Likely benign. Last evaluated: 2026-08-01. Review status: criteria provided, single submitter. Criteria: CeGaT Center For Human Genetics Tuebingen Variant Classification Criteria Version 2. Collection method: clinical testing. Allele origin: germline. Affected: yes. Observed: 1 variant allele.
Comment: KCNA1: BP4

Labcorp Genetics (formerly Invitae), Labcorp
Classification: Likely benign for Episodic ataxia type 1. Last evaluated: 2025-11-05. Review status: criteria provided, single submitter. Criteria: Invitae Variant Classification Sherloc (09022015). Collection method: clinical testing. Allele origin: germline.